The following is an entry in ClinVar:

NM_001267550.2(TTN):c.33455T>G (p.Val11152Gly)

Gene: TTN (titin; minus strand). Cytogenetic location: 2q31.2.
Variant type: single nucleotide variant.
Coding change: c.33455T>G on transcript NM_001267550.2 (MANE Select); coding-DNA position 33455, T replaced by G.
Protein change: p.Val11152Gly; replaces valine 11152 with glycine.
Molecular consequence: missense variant. On other transcripts: intron variant (3).
Genome position (GRCh38, 1-based): chr2:178,680,019, A>C on the plus strand (T>G on the coding strand, the complement: TTN is on the minus strand). VCF-style: chr2-178680019-A-C. GRCh37 (hg19) VCF-style: chr2-179544746-A-C.
Other names: p.Val9908Gly; c.32504T>G, p.Val10835Gly (NM_001256850.1); c.29723T>G, p.Val9908Gly (NM_133378.4); c.13283-37702T>G (NM_003319.4); c.13859-37702T>G (NM_133437.4); c.13658-37702T>G (NM_133432.3); short protein forms V10835G, V11152G, V9908G.
Identifiers: ClinVar variation 4540743 (VCV004540743.1).

ClinVar aggregate classification (germline): Uncertain significance (1 of 4 stars; one submission).

gnomAD v4.1: 4 of 1,613,168 alleles (0.00025%); highest among the groups gnomAD compares: Non-Finnish European, 0.00034%; no homozygotes.

Submission:

Mayo Clinic Laboratories, Mayo Clinic
Classification: Uncertain significance. Last evaluated: 2025-05-06. Review status: criteria provided, single submitter. Criteria: ACMG Guidelines, 2015. Collection method: clinical testing. Allele origin: germline. Observed: 1 variant allele.
Comment: BP4_moderate, PM2_supporting